The following is an entry in ClinVar:

NM_021098.3(CACNA1H):c.2603+3G>A

Gene: CACNA1H (calcium voltage-gated channel subunit alpha1 H; plus strand). Cytogenetic location: 16p13.3.
Variant type: single nucleotide variant.
Coding change: c.2603+3G>A on transcript NM_021098.3 (MANE Select); 3 bases into the intron after coding-DNA position 2603, G replaced by A.
Molecular consequence: intron variant.
Genome position (GRCh38, 1-based): chr16:1,205,268, G>A. VCF-style: chr16-1205268-G-A. GRCh37 (hg19) VCF-style: chr16-1255268-G-A.
Other names: c.2603+3G>A (NM_001005407.2).
Identifiers: ClinVar variation 566036 (VCV000566036.6), dbSNP rs773966897, ClinGen allele CA7800351.
Genomic context (GRCh38, chr16:1,205,268, plus strand): 5'-CTCTGGGCTACATCCGGAACCCGTACAACATCTTCGACGGCATCATCGTGGTCATCAGGT[G>A]GGTCCCCACCCTCTCCCCAGGAAGAGGGGCCCGGGAAGCTCCACTCTCTGGCAGAAATCC-3'

ClinVar aggregate classification (germline): Uncertain significance (1 of 4 stars; one submission).

Conditions:
Idiopathic generalized epilepsy. Also called: EIG; Generalised epilepsy. Identifiers: MedGen C0270850, MONDO:0005579, OMIM 600669.
Hyperaldosteronism, familial, type IV (HALD4). Also called: FH IV; ALDOSTERONISM, PRIMARY, AND HYPERTENSION. Identifiers: Orphanet 642671, MedGen C4310756, MONDO:0014875, OMIM 617027.

Allele frequency attached by ClinVar (database versions not stated): gnomAD exomes below 0.00001 and 0.00001; ExAC 0.00001.

Submission:

Labcorp Genetics (formerly Invitae), Labcorp
Classification: Uncertain significance for Idiopathic generalized epilepsy; Hyperaldosteronism, familial, type IV. Last evaluated: 2024-01-15. Review status: criteria provided, single submitter. Criteria: Invitae Variant Classification Sherloc (09022015). Collection method: clinical testing. Allele origin: germline.
Comment: This sequence change falls in intron 11 of the CACNA1H gene. It does not directly change the encoded amino acid sequence of the CACNA1H protein. It affects a nucleotide within the consensus splice site. This variant is present in population databases (rs773966897, gnomAD 0.006%). This variant has not been reported in the literature in individuals affected with CACNA1H-related conditions. ClinVar contains an entry for this variant (Variation ID: 566036). Variants that disrupt the consensus splice site are a relatively common cause of aberrant splicing (PMID: 17576681, 9536098). Algorithms developed to predict the effect of sequence changes on RNA splicing suggest that this variant is not likely to affect RNA splicing. In summary, the available evidence is currently insufficient to determine the role of this variant in disease. Therefore, it has been classified as a Variant of Uncertain Significance.

Literature cited by the submitters: PubMed 17576681; PubMed 9536098.